The following is an entry in ClinVar:

ClinVar aggregate classification (germline): Likely benign (1 of 4 stars; one submission).

Allele frequency attached by ClinVar (database versions not stated): 1000 Genomes Project 0.00639; 1000 Genomes Project 30x 0.00656; TOPMed 0.01487; gnomAD 0.01724 and 0.01833; gnomAD exomes 0.02411.

Submission:

GeneDx
Classification: Likely benign. Last evaluated: 2018-06-16. Review status: criteria provided, single submitter. Criteria: GeneDx Variant Classification (06012015). Collection method: clinical testing. Allele origin: germline. Affected: yes.
Comment: This variant is considered likely benign or benign based on one or more of the following criteria: it is a conservative change, it occurs at a poorly conserved position in the protein, it is predicted to be benign by multiple in silico algorithms, and/or has population frequency not consistent with disease.

NM_213599.3(ANO5):c.2029+66_2029+76del

Gene: ANO5 (anoctamin 5; plus strand). Cytogenetic location: 11p14.3.
Variant type: Deletion.
Coding change: c.2029+66_2029+76del on transcript NM_213599.3 (MANE Select); bases 66 to 76 of the intron after coding-DNA position 2029, 11 bases deleted (ACTTCTTTCTG).
Molecular consequence: intron variant.
Genome position (GRCh38, 1-based): chr11:22,270,508-22,270,518, ACTTCTTTCTG deleted. VCF-style (leftmost placement, unchanged base first): chr11-22270507-TACTTCTTTCTG-T. GRCh37 (hg19) VCF-style: chr11-22292053-TACTTCTTTCTG-T.
Other names: c.2026+66_2026+76del (NM_001142649.2); c.2029+66_2029+76del11 (NM_213599.2).
Identifiers: ClinVar variation 672925 (VCV000672925.1), dbSNP rs200975404, ClinGen allele CA218774291.